The following is an entry in ClinVar:

NM_025132.4(WDR19):c.2253G>T (p.Glu751Asp)

Gene: WDR19 (WD repeat domain 19; plus strand). Cytogenetic location: 4p14.
Variant type: single nucleotide variant.
Coding change: c.2253G>T on transcript NM_025132.4 (MANE Select); coding-DNA position 2253, G replaced by T.
Protein change: p.Glu751Asp; replaces glutamic acid 751 with aspartic acid.
Molecular consequence: missense variant.
Genome position (GRCh38, 1-based): chr4:39,232,272, G>T. VCF-style: chr4-39232272-G-T. GRCh37 (hg19) VCF-style: chr4-39233892-G-T.
Other names: c.1773G>T, p.Glu591Asp (NM_001317924.2); short protein forms E591D, E751D.
Identifiers: ClinVar variation 1424107 (VCV001424107.4), dbSNP rs1170632040, ClinGen allele CA356635052.
Genomic context (GRCh38, chr4:39,232,272, plus strand): 5'-CGATTATAACCTGGCTCAGGACTTGTACCTTGCATCCAGCTGTCCTATTGCTGCCCTGGA[G>T]GTATGGCAGCAAGTAAGAATGGAAATTGTGTAAGAGGTATCCAGTGGGGAAATGGGGGAA-3'
Protein context (NP_079408.3, residues 741-761): LASSCPIAAL[Glu751Asp]MRRDLQHWDS

ClinVar aggregate classification (germline): Uncertain significance. Review status: criteria provided, multiple submitters, no conflicts (2 of 4 stars). 2 submissions from 2 submitters: Uncertain significance (2). Last evaluated 2024-03-05.

Conditions:
Asphyxiating thoracic dystrophy 5 (SRTD5). Also called: SHORT-RIB THORACIC DYSPLASIA 5 WITH OR WITHOUT POLYDACTYLY; SHORT-RIB THORACIC DYSPLASIA 5 WITHOUT POLYDACTYLY. Identifiers: Orphanet 474, MedGen C3280598, MONDO:0013717, OMIM 614376.
Senior-Loken syndrome 8 (SLSN8). Identifiers: Orphanet 3156, MedGen C4225376, MONDO:0014579, OMIM 616307.
Cranioectodermal dysplasia 4 (CED4). Identifiers: Orphanet 1515, MedGen C3280616, MONDO:0013719, OMIM 614378.
Nephronophthisis 13 (NPHP13). Identifiers: Orphanet 655, MedGen C3280612, MONDO:0013718, OMIM 614377.
Spermatogenic failure 72 (SPGF72). Identifiers: MedGen C5676980, MONDO:0030809, OMIM 619867.

Allele frequency attached by ClinVar (database versions not stated): gnomAD 0.00001; gnomAD exomes 0.00001.
gnomAD v4.1: 14 of 1,590,988 alleles (0.00088%); highest among the groups gnomAD compares: African/African-American, 0.0014%; no homozygotes.

Submissions (2):

Fulgent Genetics
Classification: Uncertain significance for Asphyxiating thoracic dystrophy 5; Nephronophthisis 13; Cranioectodermal dysplasia 4; Senior-Loken syndrome 8; Spermatogenic failure 72. Last evaluated: 2024-03-05. Review status: criteria provided, single submitter. Criteria: ACMG Guidelines, 2015. Collection method: clinical testing. Allele origin: germline.

Labcorp Genetics (formerly Invitae), Labcorp
Classification: Uncertain significance for Senior-Loken syndrome 8; Asphyxiating thoracic dystrophy 5. Last evaluated: 2021-09-15. Review status: criteria provided, single submitter. Criteria: Invitae Variant Classification Sherloc (09022015). Collection method: clinical testing. Allele origin: germline.
Comment: This sequence change replaces glutamic acid with aspartic acid at codon 751 of the WDR19 protein (p.Glu751Asp). The glutamic acid residue is highly conserved and there is a small physicochemical difference between glutamic acid and aspartic acid. This variant also falls at the last nucleotide of exon 19, which is part of the consensus splice site for this exon. This variant is not present in population databases (ExAC no frequency). This variant has not been reported in the literature in individuals affected with WDR19-related conditions. Algorithms developed to predict the effect of missense changes on protein structure and function (SIFT, PolyPhen-2, Align-GVGD) all suggest that this variant is likely to be tolerated. Variants that disrupt the consensus splice site are a relatively common cause of aberrant splicing (PMID: 17576681, 9536098). Algorithms developed to predict the effect of sequence changes on RNA splicing suggest that this variant may disrupt the consensus splice site. In summary, the available evidence is currently insufficient to determine the role of this variant in disease. Therefore, it has been classified as a Variant of Uncertain Significance.

Literature cited by the submitters: PubMed 17576681 (cited by Labcorp Genetics (formerly Invitae), Labcorp); PubMed 9536098 (cited by Labcorp Genetics (formerly Invitae), Labcorp).